The following is an entry in ClinVar:

ClinVar aggregate classification (germline): Uncertain significance (1 of 4 stars; one submission).

Conditions:
Dyskeratosis congenita, autosomal dominant 1 (DKCA1). Also called: Dyskeratosis congenita Scoggins type. Identifiers: Orphanet 1775, MedGen C4551974, MONDO:0007485, OMIM 127550. Inheritance: Variable.

Submission:

Labcorp Genetics (formerly Invitae), Labcorp
Classification: Uncertain significance for Dyskeratosis congenita, autosomal dominant 1. Last evaluated: 2022-05-18. Review status: criteria provided, single submitter. Criteria: Invitae Variant Classification Sherloc (09022015). Collection method: clinical testing. Allele origin: germline.
Comment: In summary, the available evidence is currently insufficient to determine the role of this variant in disease. Therefore, it has been classified as a Variant of Uncertain Significance. This variant is located in a region of TERC in which a significant number of disease causing variants have been reported (PMID: 15082312, 21844345, 21931702). These observations suggest that this may be a clinically significant region. This variant is located within the template/pseudoknot domain of the TERC RNA component, which is required for RNA or RNP stability (PMID: 15082312, 21844345). This variant has not been reported in the literature in individuals affected with TERC-related conditions. This variant is not present in population databases (gnomAD no frequency). This variant occurs in the TERC gene, which encodes an RNA molecule that does not result in a protein product.

Literature cited by the submitters: PubMed 15082312; PubMed 21844345; PubMed 21931702.

NR_001566.3(TERC):n.38dup

Genes: TERC (telomerase RNA component; minus strand), LOC110806306 (telomerase RNA component (TERC) promoter; plus strand). Cytogenetic location: 3q26.2.
Variant type: Duplication.
Genome position: GRCh38 VCF-style: chr3-169765017-C-CA. GRCh37 (hg19) VCF-style: chr3-169482805-C-CA.
Identifiers: ClinVar variation 1948290 (VCV001948290.5), dbSNP rs1350357211, ClinGen allele CA2580069068.